The following is an entry in ClinVar:

ClinVar aggregate classification (germline): Conflicting classifications of pathogenicity. Review status: criteria provided, conflicting classifications (1 of 4 stars). 11 submissions from 11 submitters: Uncertain significance (4); Benign (3); Likely benign (3). 1 of the submissions does not count toward it. Last evaluated 2026-04-21.

Conditions:
TSC1-related disorder. Also called: TSC1-related condition.
Lymphangiomyomatosis (LAM). Also called: Lymphangioleiomyomatosis; Lymphangioleiomyomatosis, somatic. Identifiers: Orphanet 538, MedGen C0751674, MONDO:0011705, OMIM 606690.
Isolated focal cortical dysplasia type II (FCORD2). Also called: Focal cortical dysplasia type II; CORTICAL DYSPLASIA OF TAYLOR. Identifiers: Orphanet 268994, MedGen C1846385, MONDO:0011818, OMIM 607341, HP:0032051.
Tuberous sclerosis 1 (TSC1). Identifiers: Orphanet 805, MedGen C1854465, MONDO:0008612, OMIM 191100.
Hereditary cancer-predisposing syndrome. Also called: Hereditary Cancer Syndrome; Neoplastic Syndromes, Hereditary; Hereditary neoplastic syndrome; Tumor predisposition. Identifiers: Orphanet 140162, MedGen C0027672, MeSH D009386, MONDO:0015356.
Tuberous sclerosis syndrome (TSC). Also called: Tuberous Sclerosis Complex; Tuberous sclerosis. Identifiers: Orphanet 805, MedGen C0041341, MONDO:0001734.

Allele frequency attached by ClinVar (database versions not stated): gnomAD 0.00001; TOPMed 0.00001.
gnomAD v4.1: 23 of 1,614,196 alleles (0.0014%); highest among the groups gnomAD compares: Non-Finnish European, 0.0019%; no homozygotes.

Submissions (11):

PreventionGenetics, part of Exact Sciences
Classification: Likely benign for TSC1-related condition. Last evaluated: 2026-04-21. Review status: criteria provided, single submitter. Criteria: ACMG Guidelines, 2015. Collection method: clinical testing. Allele origin: germline.
Comment: This variant is classified as likely benign based on ACMG/AMP sequence variant interpretation guidelines (Richards et al. 2015 PMID: 25741868, with internal and published modifications).

Women's Health and Genetics/Laboratory Corporation of America, LabCorp
Classification: Uncertain significance. Last evaluated: 2026-03-18. Review status: criteria provided, single submitter. Criteria: LabCorp Variant Classification Summary - May 2015. Collection method: clinical testing. Allele origin: germline.
Comment: Variant summary: TSC1 c.3436G>T (p.Asp1146Tyr) results in a non-conservative amino acid change in the encoded protein sequence. Algorithms developed to predict the effect of missense changes on protein structure and function all suggest that this variant is likely to be disruptive. The variant was absent in 251412 control chromosomes. The available data on variant occurrences in the general population are insufficient to allow any conclusion about variant significance. To our knowledge, no occurrence of c.3436G>T in individuals affected with TSC1-related conditions has been reported. At least one publication reports experimental evidence evaluating an impact on protein function and demonstrated there was no significant differences in the T389/S6K ratios, compared to wild-type TSC1 (Hoogeveen_2012). These results showed no damaging effect of this variant. The following publication has been ascertained in the context of this evaluation (PMID: 22161988). ClinVar contains an entry for this variant (Variation ID: 64745). Based on the evidence outlined above, the variant was classified as VUS-possibly benign.

Labcorp Genetics (formerly Invitae), Labcorp
Classification: Benign for Tuberous sclerosis 1. Last evaluated: 2026-01-19. Review status: criteria provided, single submitter. Criteria: Invitae Variant Classification Sherloc (09022015). Collection method: clinical testing. Allele origin: germline.

Quest Diagnostics Nichols Institute San Juan Capistrano
Classification: Uncertain significance. Last evaluated: 2025-10-31. Review status: criteria provided, single submitter. Criteria: Quest Diagnostics criteria. Collection method: clinical testing. Allele origin: unknown.

All of Us Research Program, National Institutes of Health
Classification: Uncertain significance for Tuberous sclerosis syndrome. Last evaluated: 2024-06-09. Review status: criteria provided, single submitter. Criteria: ACMG Guidelines, 2015. Collection method: clinical testing. Allele origin: germline. Inheritance: Autosomal dominant inheritance. Observed: 4 variant alleles, 4 heterozygotes.
Comment: This missense variant replaces aspartic acid with tyrosine at codon 1146 of the TSC1 protein. Computational prediction suggests that this variant may not impact protein structure and function (internally defined REVEL score threshold <= 0.5, PMID: 27666373). Functional studies have shown that this variant has no significant effect on TSC1 protein stability, the TSC1/TSC2 complex, and mTORC1 activity (PMID: 22161988). To our knowledge, this variant has not been reported in individuals affected with TSC1-related disorders in the literature. This variant has not been identified in the general population by the Genome Aggregation Database (gnomAD). The available evidence is insufficient to determine the role of this variant in disease conclusively. Therefore, this variant is classified as a Variant of Uncertain Significance.

This study involves interpretation of variants in research participants for the purpose of population health screening. Participant phenotype was not available at the time of variant classification. Additional details can be found in publication PMID: 35346344, PMCID: PMC8962531

Color Diagnostics, LLC DBA Color Health
Classification: Uncertain significance for Tuberous sclerosis syndrome. Last evaluated: 2024-05-23. Review status: criteria provided, single submitter. Criteria: ACMG Guidelines, 2015. Collection method: clinical testing. Allele origin: germline.
Comment: This missense variant replaces aspartic acid with tyrosine at codon 1146 of the TSC1 protein. Computational prediction suggests that this variant may not impact protein structure and function. Functional studies have shown that this variant has no significant effect on TSC1 protein stability, the TSC1/TSC2 complex, and mTORC1 activity (PMID: 22161988). To our knowledge, this variant has not been reported in individuals affected with TSC1-related disorders in the literature. This variant has not been identified in the general population by the Genome Aggregation Database (gnomAD). The available evidence is insufficient to determine the role of this variant in disease conclusively. Therefore, this variant is classified as a Variant of Uncertain Significance.

Fulgent Genetics
Classification: Likely benign for Tuberous sclerosis 1; Lymphangiomyomatosis; Isolated focal cortical dysplasia type II. Last evaluated: 2024-02-15. Review status: criteria provided, single submitter. Criteria: ACMG Guidelines, 2015. Collection method: clinical testing. Allele origin: germline.

Genome-Nilou Lab
Classification: Benign for Tuberous sclerosis 1. Last evaluated: 2021-11-07. Review status: criteria provided, single submitter. Criteria: ACMG Guidelines, 2015. Collection method: clinical testing. Allele origin: germline. Affected: no.

GeneDx
Classification: Benign. Last evaluated: 2020-09-25. Review status: criteria provided, single submitter. Criteria: GeneDx Variant Classification Process June 2021. Collection method: clinical testing. Allele origin: germline. Affected: yes.
Comment: This variant is associated with the following publications: (PMID: 22161988)

Ambry Genetics
Classification: Likely benign for Hereditary cancer-predisposing syndrome. Last evaluated: 2019-03-21. Review status: criteria provided, single submitter. Criteria: Ambry Variant Classification Scheme 2023. Collection method: clinical testing. Allele origin: germline.

Tuberous sclerosis database (TSC1)
No classification provided. Condition: TSC. Review status: no classification provided. Criteria: Tuberous Sclerosis Database Assertion Criteria 2015. Collection method: curation. Allele origin: germline. Affected: yes. Not counted in ClinVar's aggregate classification.

Literature cited by the submitters: PubMed 22161988 (cited by 3 submitters).

NM_000368.5(TSC1):c.3436G>T (p.Asp1146Tyr)

Gene: TSC1 (TSC complex subunit 1; minus strand). Cytogenetic location: 9q34.13.
Variant type: single nucleotide variant.
Coding change: c.3436G>T on transcript NM_000368.5 (MANE Select); coding-DNA position 3436, G replaced by T.
Protein change: p.Asp1146Tyr; replaces aspartic acid 1146 with tyrosine.
Molecular consequence: missense variant.
Genome position (GRCh38, 1-based): chr9:132,896,294, C>A on the plus strand (G>T on the coding strand, the complement: TSC1 is on the minus strand). VCF-style: chr9-132896294-C-A. GRCh37 (hg19) VCF-style: chr9-135771681-C-A.
Other names: c.3433G>T, p.Asp1145Tyr (NM_001162426.2); c.3283G>T, p.Asp1095Tyr (NM_001162427.2); c.3073G>T, p.Asp1025Tyr (NM_001362177.2); short protein forms D1146Y, D1095Y, D1145Y, D1025Y.
Identifiers: ClinVar variation 64745 (VCV000064745.27), dbSNP rs397514806, ClinGen allele CA007378.